The following is an entry in ClinVar:

ClinVar aggregate classification (germline): Uncertain significance (1 of 4 stars; one submission).

Conditions:
Hereditary cancer-predisposing syndrome. Also called: Hereditary Cancer Syndrome; Hereditary neoplastic syndrome; Neoplastic Syndromes, Hereditary; Tumor predisposition. Identifiers: Orphanet 140162, MedGen C0027672, MeSH D009386, MONDO:0015356.

Allele frequency attached by ClinVar (database versions not stated): gnomAD exomes below 0.00001; ExAC 0.00001.
gnomAD v4.1: 2 of 1,614,202 alleles (0.00012%); highest among the groups gnomAD compares: South Asian, 0.0011%; no homozygotes.

Submission:

Ambry Genetics
Classification: Uncertain significance for Hereditary cancer-predisposing syndrome. Last evaluated: 2022-01-08. Review status: criteria provided, single submitter. Criteria: Ambry Variant Classification Scheme 2023. Collection method: clinical testing. Allele origin: germline.
Comment: The p.L426P variant (also known as c.1277T>C), located in coding exon 8 of the MSH3 gene, results from a T to C substitution at nucleotide position 1277. The leucine at codon 426 is replaced by proline, an amino acid with similar properties. This amino acid position is conserved. In addition, this alteration is predicted to be deleterious by in silico analysis. Since supporting evidence is limited at this time, the clinical significance of this alteration remains unclear.

NM_002439.5(MSH3):c.1277T>C (p.Leu426Pro)

Gene: MSH3 (mutS homolog 3; plus strand). Cytogenetic location: 5q14.1.
Variant type: single nucleotide variant.
Coding change: c.1277T>C on transcript NM_002439.5 (MANE Select); coding-DNA position 1277, T replaced by C.
Protein change: p.Leu426Pro; replaces leucine 426 with proline.
Molecular consequence: missense variant.
Genome position (GRCh38, 1-based): chr5:80,679,030, T>C. VCF-style: chr5-80679030-T-C. GRCh37 (hg19) VCF-style: chr5-79974849-T-C.
Other names: short protein forms L426P.
Identifiers: ClinVar variation 1766936 (VCV001766936.2), dbSNP rs775653543, ClinGen allele CA3327846.
Genomic context (GRCh38, chr5:80,679,030, plus strand): 5'-AGGACTCTGCTTCTCGTTCAGAGCTAGAAACCCGGATGTCAAGCCTGCAGCCAGTAGAGC[T>C]GCTGCTTCCTTCGGCCTTGTCCGAGCAAACAGAGGCGCTCATCCACAGAGCCACATCTGT-3'
Protein context (NP_002430.3, residues 416-436): TRMSSLQPVE[Leu426Pro]LLPSALSEQT